The following is an entry in ClinVar:

ClinVar aggregate classification (germline): Uncertain significance (1 of 4 stars; one submission).

Allele frequency attached by ClinVar (database versions not stated): gnomAD exomes below 0.00001.
gnomAD v4.1: 1 of 1,613,892 alleles (0.000062%); highest among the groups gnomAD compares: Non-Finnish European, 0.000085%; no homozygotes.

Submission:

CeGaT Center for Human Genetics Tuebingen
Classification: Uncertain significance. Last evaluated: 2024-12-01. Review status: criteria provided, single submitter. Criteria: CeGaT Center For Human Genetics Tuebingen Variant Classification Criteria Version 2. Collection method: clinical testing. Allele origin: germline. Affected: yes. Observed: 2 variant alleles.
Comment: SCN1A: PM2

NM_001165963.4(SCN1A):c.3404A>G (p.Glu1135Gly)

Genes: SCN1A (sodium voltage-gated channel alpha subunit 1; minus strand), LOC102724058 (uncharacterized LOC102724058; plus strand). Cytogenetic location: 2q24.3.
Variant type: single nucleotide variant.
Coding change: c.3404A>G on transcript NM_001165963.4 (MANE Select); coding-DNA position 3404, A replaced by G.
Protein change: p.Glu1135Gly; replaces glutamic acid 1135 with glycine.
Molecular consequence: missense variant. On other transcripts: non-coding transcript variant (2).
Genome position (GRCh38, 1-based): chr2:166,036,073, T>C on the plus strand (A>G on the coding strand, the complement: SCN1A is on the minus strand). VCF-style: chr2-166036073-T-C. GRCh37 (hg19) VCF-style: chr2-166892583-T-C.
Other names: c.3320A>G, p.Glu1107Gly (NM_001165964.3, NM_001353957.2, NM_001353958.2); c.3404A>G, p.Glu1135Gly (NM_001202435.3, NM_001353948.2); c.3371A>G, p.Glu1124Gly (NM_001353949.2, NM_001353950.2, NM_001353951.2 and 2 more transcripts); c.3368A>G, p.Glu1123Gly (NM_001353954.2, NM_001353955.2); c.3317A>G, p.Glu1106Gly (NM_001353960.2); c.962A>G, p.Glu321Gly (NM_001353961.2); short protein forms E1106G, E1107G, E1123G, E1124G, E1135G, E321G.
Identifiers: ClinVar variation 1335412 (VCV001335412.35), dbSNP rs2105793043, ClinGen allele CA349059077.